The following is an entry in ClinVar:

ClinVar aggregate classification (germline): Benign (1 of 4 stars; one submission).

Allele frequency attached by ClinVar (database versions not stated): 1000 Genomes Project 0.01438; gnomAD 0.01577 and 0.01696; 1000 Genomes Project 30x 0.01640; TOPMed 0.01804.
gnomAD v4.1: 2,379 of 152,234 alleles (1.6%); highest among the groups gnomAD compares: African/African-American, 5.3%; 67 homozygotes.

Submission:

GeneDx
Classification: Benign. Last evaluated: 2018-06-16. Review status: criteria provided, single submitter. Criteria: GeneDx Variant Classification (06012015). Collection method: clinical testing. Allele origin: germline. Affected: yes.
Comment: This variant is considered likely benign or benign based on one or more of the following criteria: it is a conservative change, it occurs at a poorly conserved position in the protein, it is predicted to be benign by multiple in silico algorithms, and/or has population frequency not consistent with disease.

NM_203447.4(DOCK8):c.2875-232G>A

Gene: DOCK8 (dedicator of cytokinesis 8; plus strand). Cytogenetic location: 9p24.3.
Variant type: single nucleotide variant.
Coding change: c.2875-232G>A on transcript NM_203447.4 (MANE Select); 232 bases into the intron before coding-DNA position 2875, G replaced by A.
Molecular consequence: intron variant.
Genome position (GRCh38, 1-based): chr9:390,239, G>A. VCF-style: chr9-390239-G-A. GRCh37 (hg19) VCF-style: chr9-390239-G-A.
Other names: c.2671-232G>A (NM_001193536.2); c.2575-232G>A (NM_001190458.2).
Identifiers: ClinVar variation 678390 (VCV000678390.1), dbSNP rs67656414, ClinGen allele CA187747551.